The following is an entry in ClinVar:

ClinVar aggregate classification (germline): Uncertain significance. Review status: criteria provided, multiple submitters, no conflicts (2 of 4 stars). 4 submissions from 4 submitters: Uncertain significance (4). Last evaluated 2025-02-09.

Conditions:
Hereditary cancer-predisposing syndrome. Also called: Hereditary neoplastic syndrome; Hereditary Cancer Syndrome; Neoplastic Syndromes, Hereditary; Tumor predisposition. Identifiers: Orphanet 140162, MedGen C0027672, MeSH D009386, MONDO:0015356.
Neuroblastoma, susceptibility to, 3. Also called: ALK-Related Neuroblastic Tumor Susceptibility. Identifiers: Orphanet 635, MedGen C2751681, MONDO:0013083, OMIM 613014.

gnomAD v4.1: 2 of 1,602,018 alleles (0.00012%); highest among the groups gnomAD compares: Non-Finnish European, 0.00017%; no homozygotes.

Submissions (4):

Labcorp Genetics (formerly Invitae), Labcorp
Classification: Uncertain significance for Neuroblastoma, susceptibility to, 3. Last evaluated: 2025-02-09. Review status: criteria provided, single submitter. Criteria: Invitae Variant Classification Sherloc (09022015). Collection method: clinical testing. Allele origin: germline.
Comment: This sequence change replaces glycine, which is neutral and non-polar, with arginine, which is basic and polar, at codon 35 of the ALK protein (p.Gly35Arg). This variant is not present in population databases (gnomAD no frequency). This variant has not been reported in the literature in individuals affected with ALK-related conditions. ClinVar contains an entry for this variant (Variation ID: 1369997). An algorithm developed to predict the effect of missense changes on protein structure and function (PolyPhen-2) suggests that this variant is likely to be tolerated. In summary, the available evidence is currently insufficient to determine the role of this variant in disease. Therefore, it has been classified as a Variant of Uncertain Significance.

Ambry Genetics
Classification: Uncertain significance for Hereditary cancer-predisposing syndrome. Last evaluated: 2025-01-08. Review status: criteria provided, single submitter. Criteria: Ambry Variant Classification Scheme 2023. Collection method: clinical testing. Allele origin: germline.
Comment: The p.G35R variant (also known as c.103G>A), located in coding exon 1 of the ALK gene, results from a G to A substitution at nucleotide position 103. The glycine at codon 35 is replaced by arginine, an amino acid with dissimilar properties. This amino acid position is well conserved in available vertebrate species. In addition, this alteration is predicted to be tolerated by in silico analysis. Based on the available evidence, the clinical significance of this variant remains unclear.

ARUP Laboratories, Molecular Genetics and Genomics, ARUP Laboratories
Classification: Uncertain significance for Neuroblastoma, susceptibility to, 3. Last evaluated: 2024-09-13. Review status: criteria provided, single submitter. Criteria: ARUP Molecular Germline Variant Investigation Process 2024. Collection method: clinical testing. Allele origin: germline.
Comment: The ALK c.103G>A; p.Gly35Arg variant, to our knowledge, is not reported in the medical literature but is reported in ClinVar (Variation ID: 1369997). This variant is absent from the Genome Aggregation Database, indicating it is not a common polymorphism. Computational analyses predict that this variant is neutral (REVEL: 0.026). Due to limited information, the clinical significance of this variant is uncertain at this time.

Baylor Genetics
Classification: Uncertain significance for Neuroblastoma, susceptibility to, 3. Last evaluated: 2024-01-18. Review status: criteria provided, single submitter. Criteria: ACMG Guidelines, 2015. Collection method: clinical testing. Allele origin: unknown.

NM_004304.5(ALK):c.103G>A (p.Gly35Arg)

Gene: ALK (ALK receptor tyrosine kinase; minus strand). Cytogenetic location: 2p23.1.
Variant type: single nucleotide variant.
Coding change: c.103G>A on transcript NM_004304.5 (MANE Select); coding-DNA position 103, G replaced by A.
Protein change: p.Gly35Arg; replaces glycine 35 with arginine.
Molecular consequence: missense variant.
Genome position (GRCh38, 1-based): chr2:29,920,557, C>T on the plus strand (G>A on the coding strand, the complement: ALK is on the minus strand). VCF-style: chr2-29920557-C-T. GRCh37 (hg19) VCF-style: chr2-30143423-C-T.
Other names: c.103G>A (NM_004304.4); short protein forms G35R.
Identifiers: ClinVar variation 1369997 (VCV001369997.11), dbSNP rs2148443908, ClinGen allele CA346590689.